The following is an entry in ClinVar:

NM_001292063.2(OTOG):c.1498+5G>A

Gene: OTOG (otogelin; plus strand). Cytogenetic location: 11p15.1.
Variant type: single nucleotide variant.
Coding change: c.1498+5G>A on transcript NM_001292063.2 (MANE Select); 5 bases into the intron after coding-DNA position 1498, G replaced by A.
Molecular consequence: intron variant.
Genome position (GRCh38, 1-based): chr11:17,561,142, G>A. VCF-style: chr11-17561142-G-A. GRCh37 (hg19) VCF-style: chr11-17582689-G-A.
Other names: c.1534+5G>A (NM_001277269.2).
Identifiers: ClinVar variation 5017187 (VCV005017187.1).

ClinVar aggregate classification (germline): Uncertain significance (1 of 4 stars; one submission).

gnomAD v4.1: 20 of 1,550,468 alleles (0.0013%); highest among the groups gnomAD compares: Non-Finnish European, 0.0017%; no homozygotes.

Submission:

GeneDx
Classification: Uncertain significance. Last evaluated: 2026-03-31. Review status: criteria provided, single submitter. Criteria: GeneDx Variant Classification Process June 2021. Collection method: clinical testing. Allele origin: germline.
Comment: Not observed at significant frequency in large population cohorts (gnomAD); Has not been previously published as pathogenic or benign to our knowledge; In silico analysis is inconclusive as to whether the variant alters gene splicing. In the absence of RNA/functional studies, the actual effect of this sequence change is unknown.